The following is an entry in ClinVar:

NM_001753.5(CAV1):c.446C>T (p.Ser149Phe)

Gene: CAV1 (caveolin 1; plus strand). Cytogenetic location: 7q31.2.
Variant type: single nucleotide variant.
Coding change: c.446C>T on transcript NM_001753.5 (MANE Select); coding-DNA position 446, C replaced by T.
Protein change: p.Ser149Phe; replaces serine 149 with phenylalanine.
Molecular consequence: missense variant.
Genome position (GRCh38, 1-based): chr7:116,559,196, C>T. VCF-style: chr7-116559196-C-T. GRCh37 (hg19) VCF-style: chr7-116199250-C-T.
Other names: c.353C>T, p.Ser118Phe (NM_001172895.1, NM_001172896.2, NM_001172897.2); short protein forms S149F, S118F.
Identifiers: ClinVar variation 4219734 (VCV004219734.1).

ClinVar aggregate classification (germline): Uncertain significance (1 of 4 stars; one submission).

Conditions:
Inborn genetic diseases. Identifiers: MedGen C0950123, MeSH D030342.

Submission:

Ambry Genetics
Classification: Uncertain significance for Inborn genetic diseases. Last evaluated: 2025-08-28. Review status: criteria provided, single submitter. Criteria: Ambry Variant Classification Scheme 2023. Collection method: clinical testing. Allele origin: germline.
Comment: The p.S149F variant (also known as c.446C>T), located in coding exon 3 of the CAV1 gene, results from a C to T substitution at nucleotide position 446. The serine at codon 149 is replaced by phenylalanine, an amino acid with highly dissimilar properties. This amino acid position is conserved. In addition, this alteration is predicted to be deleterious by in silico analysis. Based on the available evidence, the clinical significance of this variant remains unclear.